The following is an entry in ClinVar:

ClinVar aggregate classification (germline): Conflicting classifications of pathogenicity. Review status: criteria provided, conflicting classifications (1 of 4 stars). 5 submissions from 5 submitters: Uncertain significance (4); Likely benign (1). Last evaluated 2026-01-19.

Conditions:
PRPF8-related disorder. Also called: PRPF8-related condition.
Retinitis pigmentosa 13 (RP13). Also called: PRPF 8-Related Retinitis Pigmentosa. Identifiers: Orphanet 791, MedGen C1838702, MONDO:0010806, OMIM 600059.

Allele frequency attached by ClinVar (database versions not stated): ExAC 0.00004; gnomAD exomes 0.00006.

Submissions (5):

Labcorp Genetics (formerly Invitae), Labcorp
Classification: Uncertain significance. Last evaluated: 2026-01-19. Review status: criteria provided, single submitter. Criteria: Invitae Variant Classification Sherloc (09022015). Collection method: clinical testing. Allele origin: germline.
Comment: This sequence change falls in intron 36 of the PRPF8 gene. It does not directly change the encoded amino acid sequence of the PRPF8 protein. It affects a nucleotide within the consensus splice site. This variant is present in population databases (rs776617795, gnomAD 0.04%), and has an allele count higher than expected for a pathogenic variant. This variant has been observed in individual(s) with PRPF8-related conditions (internal data). ClinVar contains an entry for this variant (Variation ID: 197012). Variants that disrupt the consensus splice site are a relatively common cause of aberrant splicing (PMID: 17576681, 9536098). Algorithms developed to predict the effect of sequence changes on RNA splicing suggest that this variant may disrupt the consensus splice site. In summary, the available evidence is currently insufficient to determine the role of this variant in disease. Therefore, it has been classified as a Variant of Uncertain Significance.

PreventionGenetics, part of Exact Sciences
Classification: Likely benign for PRPF8-related condition. Last evaluated: 2025-12-07. Review status: criteria provided, single submitter. Criteria: ACMG Guidelines, 2015. Collection method: clinical testing. Allele origin: germline.
Comment: This variant is classified as likely benign based on ACMG/AMP sequence variant interpretation guidelines (Richards et al. 2015 PMID: 25741868, with internal and published modifications).

Blueprint Genetics
Classification: Uncertain significance. Last evaluated: 2021-11-30. Review status: criteria provided, single submitter. Criteria: ACMG Guidelines, 2015. Collection method: clinical testing. Allele origin: germline.

Fulgent Genetics
Classification: Uncertain significance for Retinitis pigmentosa 13. Last evaluated: 2021-09-20. Review status: criteria provided, single submitter. Criteria: ACMG Guidelines, 2015. Collection method: clinical testing. Allele origin: unknown.

Eurofins Ntd Llc (ga)
Classification: Uncertain significance. Last evaluated: 2014-07-09. Review status: criteria provided, single submitter. Criteria: EGL Classification Definitions 2015. Collection method: clinical testing. Allele origin: germline. Observed: 1 variant allele, 1 heterozygote.

Literature cited by the submitters: PubMed 17576681 (cited by Labcorp Genetics (formerly Invitae), Labcorp); PubMed 9536098 (cited by Labcorp Genetics (formerly Invitae), Labcorp).

NM_006445.4(PRPF8):c.5794-3C>G

Gene: PRPF8 (pre-mRNA processing factor 8; minus strand). Cytogenetic location: 17p13.3.
Variant type: single nucleotide variant.
Coding change: c.5794-3C>G on transcript NM_006445.4 (MANE Select); 3 bases into the intron before coding-DNA position 5794, C replaced by G.
Molecular consequence: intron variant.
Genome position (GRCh38, 1-based): chr17:1,655,546, G>C on the plus strand (C>G on the coding strand, the complement: PRPF8 is on the minus strand). VCF-style: chr17-1655546-G-C. GRCh37 (hg19) VCF-style: chr17-1558840-G-C.
Other names: c.5794-3C>G (NM_006445.3).
Identifiers: ClinVar variation 197012 (VCV000197012.13), dbSNP rs776617795, ClinGen allele CA244899.